The following is an entry in ClinVar:

ClinVar aggregate classification (germline): Uncertain significance. Review status: criteria provided, multiple submitters, no conflicts (2 of 4 stars). 2 submissions from 2 submitters: Uncertain significance (2). Last evaluated 2024-11-30.

Submissions (2):

Labcorp Genetics (formerly Invitae), Labcorp
Classification: Uncertain significance. Last evaluated: 2024-11-30. Review status: criteria provided, single submitter. Criteria: Invitae Variant Classification Sherloc (09022015). Collection method: clinical testing. Allele origin: germline.
Comment: This sequence change replaces proline, which is neutral and non-polar, with alanine, which is neutral and non-polar, at codon 338 of the ACAN protein (p.Pro338Ala). This variant is present in population databases (rs777432522, gnomAD 0.002%). This variant has not been reported in the literature in individuals affected with ACAN-related conditions. Invitae Evidence Modeling of protein sequence and biophysical properties (such as structural, functional, and spatial information, amino acid conservation, physicochemical variation, residue mobility, and thermodynamic stability) indicates that this missense variant is not expected to disrupt ACAN protein function with a negative predictive value of 80%. In summary, the available evidence is currently insufficient to determine the role of this variant in disease. Therefore, it has been classified as a Variant of Uncertain Significance.

Blueprint Genetics
Classification: Uncertain significance. Last evaluated: 2023-12-22. Review status: criteria provided, single submitter. Criteria: ACMG Guidelines, 2015. Collection method: clinical testing. Allele origin: germline.

NM_001369268.1(ACAN):c.1012C>G (p.Pro338Ala)

Gene: ACAN (aggrecan; plus strand). Cytogenetic location: 15q26.1.
Variant type: single nucleotide variant.
Coding change: c.1012C>G on transcript NM_001369268.1 (MANE Select); coding-DNA position 1012, C replaced by G.
Protein change: p.Pro338Ala; replaces proline 338 with alanine.
Molecular consequence: missense variant.
Genome position (GRCh38, 1-based): chr15:88,843,609, C>G. VCF-style: chr15-88843609-C-G. GRCh37 (hg19) VCF-style: chr15-89386840-C-G.
Other names: c.1012C>G, p.Pro338Ala (NM_001135.4, NM_001411096.1, NM_001411097.1 and 1 more transcripts); short protein forms P338A.
Identifiers: ClinVar variation 3628659 (VCV003628659.3).